The following is an entry in ClinVar:

NM_004553.6(NDUFS6):c.187-2A>G

Gene: NDUFS6 (NADH:ubiquinone oxidoreductase subunit S6; plus strand). Cytogenetic location: 5p15.33.
Variant type: single nucleotide variant.
Coding change: c.187-2A>G on transcript NM_004553.6 (MANE Select); the canonical splice acceptor site of the intron before coding-DNA position 187, A replaced by G.
Molecular consequence: splice acceptor variant.
Genome position (GRCh38, 1-based): chr5:1,814,337, A>G. VCF-style: chr5-1814337-A-G. GRCh37 (hg19) VCF-style: chr5-1814451-A-G.
Identifiers: ClinVar variation 2700782 (VCV002700782.3), dbSNP rs2477240276, ClinGen allele CA359088984.
Genomic context (GRCh38, chr5:1,814,337, plus strand): 5'-TAAATTGTATGTAGTTAGCAAGTTTGTGTATTTGTTTACGTAAGTCTTTCTTCTTGTTCC[A>G]GGTGAATGAAAACTTTGCCATTGATTTGATAGCAGAGCAGCCCGTGAGCGAGGTGGAGAC-3'

ClinVar aggregate classification (germline): Likely pathogenic (1 of 4 stars; one submission).

Submission:

Labcorp Genetics (formerly Invitae), Labcorp
Classification: Likely pathogenic. Last evaluated: 2023-12-04. Review status: criteria provided, single submitter. Criteria: Invitae Variant Classification Sherloc (09022015). Collection method: clinical testing. Allele origin: germline.
Comment: This sequence change affects an acceptor splice site in intron 2 of the NDUFS6 gene. It is expected to disrupt RNA splicing. Variants that disrupt the donor or acceptor splice site typically lead to a loss of protein function (PMID: 16199547), and loss-of-function variants in NDUFS6 are known to be pathogenic (PMID: 15372108). This variant is not present in population databases (gnomAD no frequency). This variant has not been reported in the literature in individuals affected with NDUFS6-related conditions. Algorithms developed to predict the effect of sequence changes on RNA splicing suggest that this variant may disrupt the consensus splice site. In summary, the currently available evidence indicates that the variant is pathogenic, but additional data are needed to prove that conclusively. Therefore, this variant has been classified as Likely Pathogenic.

Literature cited by the submitters: PubMed 16199547; PubMed 15372108.